The following is an entry in ClinVar:

ClinVar aggregate classification (germline): Likely pathogenic (0 of 4 stars; one submission).

Conditions:
Neural tube defect (NTD). Also called: Neural tube defects. Identifiers: Orphanet 3388, Orphanet 823, MedGen C0027794, MONDO:0018075, HP:0045005.

Submission:

Finnell Lab, Baylor College of Medicine
Classification: Likely pathogenic for Neural tube defects, susceptibility to. Review status: no assertion criteria provided. Collection method: case-control. Allele origin: unknown. Affected: yes. Observed: 1 heterozygote.
Comment: In vitro functional study described this variant affects RAD9B's protein function.

NM_001286535.2(RAD9B):c.645T>A (p.Phe215Leu)

Gene: RAD9B (RAD9 checkpoint clamp component B; plus strand). Cytogenetic location: 12q24.11.
Variant type: single nucleotide variant.
Coding change: c.645T>A on transcript NM_001286535.2 (MANE Select); coding-DNA position 645, T replaced by A.
Protein change: p.Phe215Leu; replaces phenylalanine 215 with leucine.
Molecular consequence: missense variant.
Genome position (GRCh38, 1-based): chr12:110,518,725, T>A. VCF-style: chr12-110518725-T-A. GRCh37 (hg19) VCF-style: chr12-110956530-T-A.
Other names: c.429T>A, p.Phe143Leu (NM_001286531.2, NM_001286532.2, NM_001368051.1 and 1 more transcripts); c.171T>A, p.Phe57Leu (NM_001286533.2, NM_001286534.2); c.438T>A, p.Phe146Leu (NM_001286536.2); c.645T>A, p.Phe215Leu (NM_001368052.1, NM_152442.4); c.54T>A, p.Phe18Leu (NM_001368054.1, NM_001368055.1, NM_001368056.1); short protein forms F143L, F146L, F18L, F215L, F57L.
Identifiers: ClinVar variation 694399 (VCV000694399.2), dbSNP rs1593083585, ClinGen allele CA386682414.
Genomic context (GRCh38, chr12:110,518,725, plus strand): 5'-ATATTAAACAGATTTGAGCAATGCTGTACACAGTGAGATGTTTGTTGGCTCAGATGAGTT[T>A]GACTTCTTTCAAATTGGAATGGACACTGAGATAACATTTTGTTTCAAAGAATTGAAGGTA-3'
Protein context (NP_001273464.1, residues 205-225): HSEMFVGSDE[Phe215Leu]DFFQIGMDTE